The following is an entry in ClinVar:

ClinVar aggregate classification (germline): Conflicting classifications of pathogenicity. Review status: criteria provided, conflicting classifications (1 of 4 stars). 3 submissions from 3 submitters: Uncertain significance (2); Likely benign (1). Last evaluated 2026-09-01.

Conditions:
Polyps, multiple and recurrent inflammatory fibroid, gastrointestinal. Identifiers: MedGen C5193005, MONDO:0008285, OMIM 175510.
Idiopathic hypereosinophilic syndrome (HES). Identifiers: Orphanet 3260, MedGen C0206141, MONDO:0011895, OMIM 607685. Disease mechanism: gain of function.
Gastrointestinal stromal tumor. Also called: Gastrointestinal stromal tumor, somatic; Gastrointestinal stroma tumor. Identifiers: Orphanet 44890, MedGen C0238198, MeSH D046152, MONDO:0011719, OMIM 606764, HP:0100723.

Allele frequency attached by ClinVar (database versions not stated): gnomAD 0.00001 and 0.00002; TOPMed 0.00005.
gnomAD v4.1: 25 of 1,614,052 alleles (0.0015%); highest among the groups gnomAD compares: Admixed American, 0.038%; no homozygotes.

Submissions (3):

GeneDx
Classification: Uncertain significance. Last evaluated: 2026-09-01. Review status: criteria provided, single submitter. Criteria: GeneDx Variant Classification Process June 2021. Collection method: clinical testing. Allele origin: germline.
Comment: Has not been previously published as pathogenic or benign to our knowledge; In silico analysis is inconclusive as to whether the variant alters gene splicing. In the absence of RNA/functional studies, the actual effect of this sequence change is unknown

Labcorp Genetics (formerly Invitae), Labcorp
Classification: Likely benign for Gastrointestinal stromal tumor. Last evaluated: 2026-02-04. Review status: criteria provided, single submitter. Criteria: Invitae Variant Classification Sherloc (09022015). Collection method: clinical testing. Allele origin: germline.

Fulgent Genetics
Classification: Uncertain significance for Polyps, multiple and recurrent inflammatory fibroid, gastrointestinal; Idiopathic hypereosinophilic syndrome. Last evaluated: 2024-05-15. Review status: criteria provided, single submitter. Criteria: ACMG Guidelines, 2015. Collection method: clinical testing. Allele origin: germline.

NM_006206.6(PDGFRA):c.932-13C>A

Gene: PDGFRA (platelet derived growth factor receptor alpha; plus strand). Cytogenetic location: 4q12.
Variant type: single nucleotide variant.
Coding change: c.932-13C>A on transcript NM_006206.6 (MANE Select); 13 bases into the intron before coding-DNA position 932, C replaced by A.
Molecular consequence: intron variant.
Genome position (GRCh38, 1-based): chr4:54,267,539, C>A. VCF-style: chr4-54267539-C-A. GRCh37 (hg19) VCF-style: chr4-55133706-C-A.
Other names: c.1007-13C>A (NM_001347828.2); c.932-13C>A (NM_001347827.2, NM_001347829.2); c.971-13C>A (NM_001347830.2).
Identifiers: ClinVar variation 1593747 (VCV001593747.11), dbSNP rs762963804, ClinGen allele CA2922433.